The following is an entry in ClinVar:

NM_004360.5(CDH1):c.2331C>A (p.Asp777Glu)

Gene: CDH1 (cadherin 1; plus strand). Cytogenetic location: 16q22.1.
Variant type: single nucleotide variant.
Coding change: c.2331C>A on transcript NM_004360.5 (MANE Select); coding-DNA position 2331, C replaced by A.
Protein change: p.Asp777Glu; replaces aspartic acid 777 with glutamic acid.
Molecular consequence: missense variant.
Genome position (GRCh38, 1-based): chr16:68,829,689, C>A. VCF-style: chr16-68829689-C-A. GRCh37 (hg19) VCF-style: chr16-68863592-C-A.
Other names: c.2148C>A, p.Asp716Glu (NM_001317184.2); c.783C>A, p.Asp261Glu (NM_001317185.2); c.366C>A, p.Asp122Glu (NM_001317186.2); short protein forms D122E, D261E, D716E, D777E.
Identifiers: ClinVar variation 1720264 (VCV001720264.6), dbSNP rs114265540, ClinGen allele CA396470919.

ClinVar aggregate classification (germline): Uncertain significance (1 of 4 stars; one submission).

Conditions:
Hereditary diffuse gastric adenocarcinoma (HDGC). Also called: DIFFUSE GASTRIC AND LOBULAR BREAST CANCER SYNDROME. Identifiers: Orphanet 26106, MedGen C1708349, MONDO:0007648, OMIM 137215.

Submission:

Labcorp Genetics (formerly Invitae), Labcorp
Classification: Uncertain significance for Hereditary diffuse gastric adenocarcinoma. Last evaluated: 2022-09-25. Review status: criteria provided, single submitter. Criteria: Invitae Variant Classification Sherloc (09022015). Collection method: clinical testing. Allele origin: germline.
Comment: This sequence change replaces aspartic acid, which is acidic and polar, with glutamic acid, which is acidic and polar, at codon 777 of the CDH1 protein (p.Asp777Glu). This variant is not present in population databases (gnomAD no frequency). This variant has not been reported in the literature in individuals affected with CDH1-related conditions. Algorithms developed to predict the effect of missense changes on protein structure and function output the following: SIFT: "Deleterious"; PolyPhen-2: "Possibly Damaging"; Align-GVGD: "Class C0". The glutamic acid amino acid residue is found in multiple mammalian species, which suggests that this missense change does not adversely affect protein function. In summary, the available evidence is currently insufficient to determine the role of this variant in disease. Therefore, it has been classified as a Variant of Uncertain Significance.